The following is an entry in ClinVar:

NM_015450.3(POT1):c.766C>T (p.Gln256Ter)

Gene: POT1 (protection of telomeres 1; minus strand). Cytogenetic location: 7q31.33.
Variant type: single nucleotide variant.
Coding change: c.766C>T on transcript NM_015450.3 (MANE Select); coding-DNA position 766, C replaced by T.
Protein change: p.Gln256Ter; replaces glutamine 256 with a stop codon.
Molecular consequence: nonsense. On other transcripts: non-coding transcript variant (3).
Genome position (GRCh38, 1-based): chr7:124,853,075, G>A on the plus strand (C>T on the coding strand, the complement: POT1 is on the minus strand). VCF-style: chr7-124853075-G-A. GRCh37 (hg19) VCF-style: chr7-124493129-G-A.
Other names: c.373C>T, p.Gln125Ter (NM_001042594.2); short protein forms Q256*, Q125*.
Identifiers: ClinVar variation 2847391 (VCV002847391.3), dbSNP rs868374643, ClinGen allele CA166065206.
Genomic context (GRCh38, chr7:124,853,075, plus strand): 5'-TGATTCCCCGACCGTAACTGGTACCTCCATGAAGATGAAACTCTAAACTTAACATTGTCT[G>A]ATTCTCTGAATTCATTGATTGAAGTTTGGTATGAAGGCTATAGATTCTAAGAAAGCTTCC-3'

ClinVar aggregate classification (germline): Pathogenic (1 of 4 stars; one submission).

Conditions:
Tumor predisposition syndrome 3 (TPDS3). Also called: LONG TELOMERE SYNDROME, POT1-RELATED; POT1 Tumor Predisposition; Melanoma, cutaneous malignant, susceptibility to, 10; Glioma susceptibility 9. Identifiers: Orphanet 618, MedGen C4014476, MONDO:0014368, OMIM 615848.

Submission:

Labcorp Genetics (formerly Invitae), Labcorp
Classification: Pathogenic for Tumor predisposition syndrome 3. Last evaluated: 2023-03-19. Review status: criteria provided, single submitter. Criteria: Invitae Variant Classification Sherloc (09022015). Collection method: clinical testing. Allele origin: germline.
Comment: For these reasons, this variant has been classified as Pathogenic. Algorithms developed to predict the effect of sequence changes on RNA splicing suggest that this variant may disrupt the consensus splice site. This variant has not been reported in the literature in individuals affected with POT1-related conditions. This variant is not present in population databases (gnomAD no frequency). This sequence change creates a premature translational stop signal (p.Gln256*) in the POT1 gene. It is expected to result in an absent or disrupted protein product. Loss-of-function variants in POT1 are known to be pathogenic (PMID: 32155570).

Literature cited by the submitters: PubMed 32155570.